The following is an entry in ClinVar:

ClinVar aggregate classification (germline): Uncertain significance. Review status: criteria provided, multiple submitters, no conflicts (2 of 4 stars). 2 submissions from 2 submitters: Uncertain significance (2). Last evaluated 2024-04-25.

Allele frequency attached by ClinVar (database versions not stated): gnomAD exomes below 0.00001.
gnomAD v4.1: 2 of 1,614,200 alleles (0.00012%); highest among the groups gnomAD compares: Non-Finnish European, 0.00017%; no homozygotes.

Submissions (2):

GeneDx
Classification: Uncertain significance. Last evaluated: 2024-04-25. Review status: criteria provided, single submitter. Criteria: GeneDx Variant Classification Process June 2021. Collection method: clinical testing. Allele origin: germline. Affected: yes.
Comment: Not observed at significant frequency in large population cohorts (gnomAD); In silico analysis supports that this missense variant has a deleterious effect on protein structure/function; Has not been previously published as pathogenic or benign to our knowledge

Labcorp Genetics (formerly Invitae), Labcorp
Classification: Uncertain significance. Last evaluated: 2020-10-16. Review status: criteria provided, single submitter. Criteria: Invitae Variant Classification Sherloc (09022015). Collection method: clinical testing. Allele origin: germline.
Comment: This sequence change replaces isoleucine with serine at codon 458 of the MTOR protein (p.Ile458Ser). The isoleucine residue is moderately conserved and there is a large physicochemical difference between isoleucine and serine. This variant is not present in population databases (ExAC no frequency). This variant has not been reported in the literature in individuals with MTOR-related conditions. Advanced modeling of protein sequence and biophysical properties (such as structural, functional, and spatial information, amino acid conservation, physicochemical variation, residue mobility, and thermodynamic stability) performed at Invitae indicates that this missense variant is not expected to disrupt MTOR protein function. Algorithms developed to predict the effect of sequence changes on RNA splicing suggest that this variant may create or strengthen a splice site, but this prediction has not been confirmed by published transcriptional studies. In summary, the available evidence is currently insufficient to determine the role of this variant in disease. Therefore, it has been classified as a Variant of Uncertain Significance.

NM_004958.4(MTOR):c.1373T>G (p.Ile458Ser)

Gene: MTOR (mechanistic target of rapamycin kinase; minus strand). Cytogenetic location: 1p36.22.
Variant type: single nucleotide variant.
Coding change: c.1373T>G on transcript NM_004958.4 (MANE Select); coding-DNA position 1373, T replaced by G.
Protein change: p.Ile458Ser; replaces isoleucine 458 with serine.
Molecular consequence: missense variant.
Genome position (GRCh38, 1-based): chr1:11,243,153, A>C on the plus strand (T>G on the coding strand, the complement: MTOR is on the minus strand). VCF-style: chr1-11243153-A-C. GRCh37 (hg19) VCF-style: chr1-11303210-A-C.
Other names: c.1373T>G (NM_004958.3); short protein forms I458S.
Identifiers: ClinVar variation 1023703 (VCV001023703.9), dbSNP rs1648316310, ClinGen allele CA338395942.